The following is an entry in ClinVar:

ClinVar aggregate classification (germline): Likely pathogenic (1 of 4 stars; one submission).

Conditions:
Alstrom syndrome (ALMS). Identifiers: Orphanet 64, MedGen C0268425, MONDO:0008763, OMIM 203800.

Submission:

Natera, Inc.
Classification: Likely pathogenic for Alstrom syndrome. Last evaluated: 2025-12-18. Review status: criteria provided, single submitter. Criteria: Natera Variant Classification Schema (03/2026). Collection method: clinical testing. Allele origin: germline.
Comment: The c.11786G>A variant in ALMS1 is a nonsense variant predicted to introduce a stop codon at amino acid 3929. This variant is expected to result in nonsense mediated decay, truncation, or a dysfunctional protein product. This variant is rare in the general population with a frequency below the threshold expected for the associated phenotype(s). Given the available evidence, this variant is classified as Likely Pathogenic.

NM_001378454.1(ALMS1):c.11783G>A (p.Trp3928Ter)

Gene: ALMS1 (ALMS1 centrosome and basal body associated protein; plus strand). Cytogenetic location: 2p13.1.
Variant type: single nucleotide variant.
Coding change: c.11783G>A on transcript NM_001378454.1 (MANE Select); coding-DNA position 11783, G replaced by A.
Protein change: p.Trp3928Ter; replaces tryptophan 3928 with a stop codon.
Molecular consequence: nonsense.
Genome position (GRCh38, 1-based): chr2:73,600,792, G>A. VCF-style: chr2-73600792-G-A. GRCh37 (hg19) VCF-style: chr2-73827919-G-A.
Other names: c.11786G>A, p.Trp3929Ter (NM_015120.4); short protein forms W3928*, W3929*.
Identifiers: ClinVar variation 4815763 (VCV004815763.1).